The following is an entry in ClinVar:

ClinVar aggregate classification (germline): Pathogenic (1 of 4 stars; one submission).

Submission:

Labcorp Genetics (formerly Invitae), Labcorp
Classification: Pathogenic. Last evaluated: 2023-04-11. Review status: criteria provided, single submitter. Criteria: Invitae Variant Classification Sherloc (09022015). Collection method: clinical testing. Allele origin: germline.
Comment: This sequence change creates a premature translational stop signal (p.Ala189Profs*144) in the VLDLR gene. It is expected to result in an absent or disrupted protein product. Loss-of-function variants in VLDLR are known to be pathogenic (PMID: 18043714, 18326629, 22532556). This variant is not present in population databases (gnomAD no frequency). This variant has not been reported in the literature in individuals affected with VLDLR-related conditions. For these reasons, this variant has been classified as Pathogenic.

Literature cited by the submitters: PubMed 18043714; PubMed 18326629; PubMed 22532556.

NM_003383.5(VLDLR):c.565del (p.Ala189fs)

Gene: VLDLR (very low density lipoprotein receptor; plus strand). Cytogenetic location: 9p24.2.
Variant type: Deletion.
Coding change: c.565del on transcript NM_003383.5 (MANE Select); coding-DNA position 565, one base deleted (G; older notation c.565delG).
Protein change: p.Ala189fs; shifts the reading frame from alanine 189.
Molecular consequence: frameshift variant.
Genome position (GRCh38, 1-based): chr9:2,643,276, G deleted. VCF-style (leftmost placement, unchanged base first): chr9-2643275-TG-T. GRCh37 (hg19) VCF-style: chr9-2643275-TG-T.
Other names: c.565del, p.Ala189fs (NM_001018056.3); c.442del, p.Ala148fs (NM_001322225.2, NM_001322226.2); short protein forms A148fs, A189fs.
Identifiers: ClinVar variation 2855138 (VCV002855138.3), dbSNP rs2488724032, ClinGen allele CA2739269119.
Genomic context (GRCh38, chr9:2,643,275, plus strand): 5'-CAGGAACTTTGTATGCAATGGCCAGGATGACTGCAGCGATGGCAGTGATGAGCTGGACTG[TG>T]CCCCGCCAACCTGTGGCGCCCATGAGTTCCAGTGCAGCACCTCCTCCTGCATCCCCATCA-3'